The following is an entry in ClinVar:

NM_000254.3(MTR):c.1475dup (p.Ala493fs)

Gene: MTR (5-methyltetrahydrofolate-homocysteine methyltransferase; plus strand). Cytogenetic location: 1q43.
Variant type: Duplication.
Coding change: c.1475dup on transcript NM_000254.3 (MANE Select); coding-DNA position 1475, one base duplicated (G; older notation c.1475dupG).
Protein change: p.Ala493fs; shifts the reading frame from alanine 493.
Molecular consequence: frameshift variant.
Genome position (GRCh38, 1-based): chr1:236,838,559, G duplicated; the last of 2 consecutive G bases (chr1:236,838,558-236,838,559); duplicating either gives the same sequence. VCF-style (leftmost placement, unchanged base first): chr1-236838557-T-TG. GRCh37 (hg19) VCF-style: chr1-237001857-T-TG.
Other names: c.1475dup, p.Ala493fs (NM_001291939.1, NM_001410942.1); c.254dup, p.Ala86fs (NM_001291940.2); short protein forms A493fs, A86fs.
Identifiers: ClinVar variation 2764273 (VCV002764273.3), dbSNP rs778563154, ClinGen allele CA1474086.

ClinVar aggregate classification (germline): Pathogenic (1 of 4 stars; one submission).

Conditions:
Methylcobalamin deficiency type cblG (HMAG). Also called: Functional methionine synthase deficiency type cblG; HOMOCYSTINURIA-MEGALOBLASTIC ANEMIA DUE TO DEFECT IN COBALAMIN METABOLISM, cblG COMPLEMENTATION TYPE; HOMOCYSTINURIA-MEGALOBLASTIC ANEMIA, cblG TYPE; HOMOCYSTINURIA-MEGALOBLASTIC ANEMIA, cblG COMPLEMENTATION TYPE. Identifiers: Orphanet 2170, Orphanet 622, MedGen C1855128, MONDO:0009609, OMIM 250940.

Submission:

Labcorp Genetics (formerly Invitae), Labcorp
Classification: Pathogenic for Methylcobalamin deficiency type cblG. Last evaluated: 2023-09-29. Review status: criteria provided, single submitter. Criteria: Invitae Variant Classification Sherloc (09022015). Collection method: clinical testing. Allele origin: germline.
Comment: This variant has not been reported in the literature in individuals affected with MTR-related conditions. For these reasons, this variant has been classified as Pathogenic. This variant is present in population databases (rs778563154, gnomAD 0.003%). This sequence change creates a premature translational stop signal (p.Ala493Serfs*9) in the MTR gene. It is expected to result in an absent or disrupted protein product. Loss-of-function variants in MTR are known to be pathogenic (PMID: 9683607, 12068375).

Literature cited by the submitters: PubMed 9683607; PubMed 12068375.